The following is an entry in ClinVar:

NM_006947.4(SRP72):c.701A>G (p.Tyr234Cys)

Gene: SRP72 (signal recognition particle 72; plus strand). Cytogenetic location: 4q12.
Variant type: single nucleotide variant.
Coding change: c.701A>G on transcript NM_006947.4 (MANE Select); coding-DNA position 701, A replaced by G.
Protein change: p.Tyr234Cys; replaces tyrosine 234 with cysteine.
Molecular consequence: missense variant. On other transcripts: non-coding transcript variant (1), intron variant (1).
Genome position (GRCh38, 1-based): chr4:56,478,437, A>G. VCF-style: chr4-56478437-A-G. GRCh37 (hg19) VCF-style: chr4-57344603-A-G.
Other names: c.642+1735A>G (NM_001267722.2); short protein forms Y234C.
Identifiers: ClinVar variation 4841454 (VCV004841454.1).

ClinVar aggregate classification (germline): Uncertain significance (1 of 4 stars; one submission).

gnomAD v4.1: 1 of 1,613,694 alleles (0.000062%); highest among the groups gnomAD compares: South Asian, 0.0011%; no homozygotes.

Submission:

Ambry Genetics
Classification: Uncertain significance. Last evaluated: 2025-12-27. Review status: criteria provided, single submitter. Criteria: Ambry Variant Classification Scheme 2023. Collection method: clinical testing. Allele origin: germline.
Comment: The p.Y234C variant (also known as c.701A>G), located in coding exon 7 of the SRP72 gene, results from an A to G substitution at nucleotide position 701. The tyrosine at codon 234 is replaced by cysteine, an amino acid with highly dissimilar properties. This amino acid position is conserved. In addition, this alteration is predicted to be deleterious by in silico analysis. Based on the available evidence, the clinical significance of this variant remains unclear.